The following is an entry in ClinVar:

ClinVar aggregate classification (germline): Conflicting classifications of pathogenicity. Review status: criteria provided, conflicting classifications (1 of 4 stars). 4 submissions from 4 submitters: Pathogenic (2); Uncertain significance (1). 1 of the submissions does not count toward it. Last evaluated 2026-05-27.

Conditions:
Sessile serrated polyposis cancer syndrome (SSPCS). Identifiers: Orphanet 157798, MedGen C4310714, MONDO:0014919, OMIM 617108.
Colon serrated polyposis. Identifiers: MedGen C3272797, MONDO:0100290.

gnomAD v4.1: 3 of 1,611,498 alleles (0.00019%); highest among the groups gnomAD compares: Non-Finnish European, 0.00017%; no homozygotes.

Submissions (4):

Ambry Genetics
Classification: Uncertain significance. Last evaluated: 2026-05-27. Review status: criteria provided, single submitter. Criteria: Ambry Variant Classification Scheme 2023. Collection method: clinical testing. Allele origin: germline.
Comment: The p.R132* variant (also known as c.394C>T), located in coding exon 3 of the RNF43 gene, results from a C to T substitution at nucleotide position 394. This changes the amino acid from an arginine to a stop codon within coding exon 3. The evidence for this gene-disease relationship is limited; therefore, the clinical significance of this variant is unclear.

Myriad Genetics, Inc.
Classification: Pathogenic for Sessile serrated polyposis cancer syndrome. Last evaluated: 2026-02-04. Review status: criteria provided, single submitter. Criteria: Myriad Autosomal Dominant, Autosomal Recessive and X-Linked Classification Criteria (2023). Collection method: clinical testing. Allele origin: unknown.
Comment: This variant is considered pathogenic. This variant creates a termination codon and is predicted to result in premature protein truncation.

The Canberra Hospital
Classification: Pathogenic for Colon Serrated Polyposis. Review status: criteria provided, single submitter. Criteria: Submitter's publication. Collection method: research. Allele origin: germline. Affected: yes. Observed: 2 variant alleles.
Comment: Mendelian inheritance supported

OMIM
Classification: Pathogenic for SESSILE SERRATED POLYPOSIS CANCER SYNDROME. Last evaluated: 2017-07-19. Review status: no assertion criteria provided. Collection method: literature only. Allele origin: germline. Not counted in ClinVar's aggregate classification.

Literature cited by the submitters: PubMed 22552244 (cited by The Canberra Hospital); PubMed 27081527 (cited by OMIM).

NM_017763.6(RNF43):c.394C>T (p.Arg132Ter)

Gene: RNF43 (ring finger protein 43; minus strand). Cytogenetic location: 17q22.
Variant type: single nucleotide variant.
Coding change: c.394C>T on transcript NM_017763.6 (MANE Select); coding-DNA position 394, C replaced by T.
Protein change: p.Arg132Ter; replaces arginine 132 with a stop codon.
Molecular consequence: nonsense.
Genome position (GRCh38, 1-based): chr17:58,363,582, G>A on the plus strand (C>T on the coding strand, the complement: RNF43 is on the minus strand). VCF-style: chr17-58363582-G-A. GRCh37 (hg19) VCF-style: chr17-56440943-G-A.
Other names: c.394C>T, p.Arg132Ter (NM_001305544.3); c.13C>T, p.Arg5Ter (NM_001305545.2); short protein forms R132*, R5*.
Identifiers: ClinVar variation 190226 (VCV000190226.5), dbSNP rs786205215, ClinGen allele CA214568.
Genomic context (GRCh38, chr17:58,363,582, plus strand): 5'-GTACCTGCTCAGCAGCAGCTCGATCCTCAGTGATGTCAAAGAGGACAGCACTGGCTCCTC[G>A]CTCACCCGCCATCCGAGCCTGCAGAGGCACACAGTAGAGGTTGGGCTGAGGTCAGGGAAG-3'